The following is an entry in ClinVar:

NM_017841.4(SDHAF2):c.17T>G (p.Val6Gly)

Gene: SDHAF2 (succinate dehydrogenase complex assembly factor 2; plus strand). Cytogenetic location: 11q12.2.
Variant type: single nucleotide variant.
Coding change: c.17T>G on transcript NM_017841.4 (MANE Select); coding-DNA position 17, T replaced by G.
Protein change: p.Val6Gly; replaces valine 6 with glycine.
Molecular consequence: missense variant.
Genome position (GRCh38, 1-based): chr11:61,430,163, T>G. VCF-style: chr11-61430163-T-G. GRCh37 (hg19) VCF-style: chr11-61197635-T-G.
Other names: short protein forms V6G.
Identifiers: ClinVar variation 2976806 (VCV002976806.4), dbSNP rs1565125251, ClinGen allele CA380680159.

ClinVar aggregate classification (germline): Uncertain significance. Review status: criteria provided, multiple submitters, no conflicts (2 of 4 stars). 2 submissions from 2 submitters: Uncertain significance (2). Last evaluated 2023-10-27.

Conditions:
Hereditary pheochromocytoma and paraganglioma. Also called: Hereditary paragangliomas and pheochromocytomas; Hereditary Paraganglioma-Pheochromocytoma Syndromes; Hereditary pheochromocytoma-paraganglioma. Identifiers: Orphanet 29072, MedGen C4274332, MONDO:0017366.
Hereditary cancer-predisposing syndrome. Also called: Neoplastic Syndromes, Hereditary; Tumor predisposition; Hereditary Cancer Syndrome; Hereditary neoplastic syndrome. Identifiers: Orphanet 140162, MedGen C0027672, MeSH D009386, MONDO:0015356.

Submissions (2):

Ambry Genetics
Classification: Uncertain significance for Hereditary cancer-predisposing syndrome. Last evaluated: 2023-10-27. Review status: criteria provided, single submitter. Criteria: Ambry Variant Classification Scheme 2023. Collection method: clinical testing. Allele origin: germline.
Comment: The p.V6G variant (also known as c.17T>G), located in coding exon 1 of the SDHAF2 gene, results from a T to G substitution at nucleotide position 17. The valine at codon 6 is replaced by glycine, an amino acid with dissimilar properties. This amino acid position is conserved. In addition, this alteration is predicted to be tolerated by in silico analysis. Since supporting evidence is limited at this time, the clinical significance of this alteration remains unclear.

Labcorp Genetics (formerly Invitae), Labcorp
Classification: Uncertain significance for Hereditary pheochromocytoma and paraganglioma. Last evaluated: 2023-09-06. Review status: criteria provided, single submitter. Criteria: Invitae Variant Classification Sherloc (09022015). Collection method: clinical testing. Allele origin: germline.
Comment: This sequence change replaces valine, which is neutral and non-polar, with glycine, which is neutral and non-polar, at codon 6 of the SDHAF2 protein (p.Val6Gly). This variant is not present in population databases (gnomAD no frequency). This variant has not been reported in the literature in individuals affected with SDHAF2-related conditions. An algorithm developed to predict the effect of missense changes on protein structure and function (PolyPhen-2) suggests that this variant is likely to be tolerated. In summary, the available evidence is currently insufficient to determine the role of this variant in disease. Therefore, it has been classified as a Variant of Uncertain Significance.